The following is an entry in ClinVar:

NM_001204375.2(NPR3):c.1059+1G>A

Gene: NPR3 (natriuretic peptide receptor 3; plus strand). Cytogenetic location: 5p13.3.
Variant type: single nucleotide variant.
Coding change: c.1059+1G>A on transcript NM_001204375.2 (MANE Select); the canonical splice donor site of the intron after coding-DNA position 1059, G replaced by A.
Molecular consequence: splice donor variant.
Genome position (GRCh38, 1-based): chr5:32,739,031, G>A. VCF-style: chr5-32739031-G-A. GRCh37 (hg19) VCF-style: chr5-32739137-G-A.
Other names: c.339+1G>A (NM_001364458.2); c.411+1G>A (NM_001363652.2, NM_001204376.2); c.288+1G>A (NM_001364460.2); c.1059+1G>A (NM_000908.4).
Identifiers: ClinVar variation 1906203 (VCV001906203.4), dbSNP rs752059527, ClinGen allele CA3222520.
Genomic context (GRCh38, chr5:32,739,031, plus strand): 5'-AAGTTTTCCATGGAGGTGAAAAGTTCAGTTGAGAAACAAGGGCTCAATATGGAGGATTAC[G>A]TAAGTGCCTGATTATGAGCCTAGACCTTTAGCATCCTGAAAACTGTCTTCTAATTAAATC-3'

ClinVar aggregate classification (germline): Conflicting classifications of pathogenicity. Review status: criteria provided, conflicting classifications (1 of 4 stars). 2 submissions from 2 submitters: Likely pathogenic (1); Uncertain significance (1). Last evaluated 2025-10-31.

Conditions:
Boudin-Mortier syndrome (BOMOS). Also called: Tall stature and long digits with extra epiphyses. Identifiers: MedGen C5561992, MONDO:0859194, OMIM 619543.

Allele frequency attached by ClinVar (database versions not stated): gnomAD exomes 0.00001; ExAC 0.00001.
gnomAD v4.1: 14 of 1,613,374 alleles (0.00087%); highest among the groups gnomAD compares: South Asian, 0.0055%; no homozygotes.

Submissions (2):

Diagnostics Services (NGS), CSIR - Centre For Cellular And Molecular Biology
Classification: Likely pathogenic for Boudin-Mortier syndrome. Last evaluated: 2025-10-31. Review status: criteria provided, single submitter. Criteria: ACMG Guidelines, 2015. Collection method: clinical testing. Allele origin: germline. Affected: no. Observed: 2 variant alleles, 2 heterozygotes.
Comment: The c.1059+1G>A variant not present in publicly available population databases like 1000 Genomes, EVS, Indian Exome Database or our internal database. The variant is present in gnomAD, at low frequencies. This variant has not been published in the literature for NPR3-related conditions. It has been previously reported to the ClinVar database (Accession ID: VCV001906203.3) as ‘Uncertain significance’ by a single submitter. Algorithms developed to predict the effect of sequence changes on RNA splicing suggest that this variant may affect splicing. In-silico pathogenicity prediction programs, such as HSF3.1, MutationTaster2021, CADD, and Varsome, predicted this variant to be likely deleterious; however, these predictions were not confirmed by published functional/translational studies. This variant has been identified in a couple as a part of carrier screening.

Labcorp Genetics (formerly Invitae), Labcorp
Classification: Uncertain significance. Last evaluated: 2022-03-22. Review status: criteria provided, single submitter. Criteria: Invitae Variant Classification Sherloc (09022015). Collection method: clinical testing. Allele origin: germline.
Comment: Algorithms developed to predict the effect of sequence changes on RNA splicing suggest that this variant may disrupt the consensus splice site. In summary, the available evidence is currently insufficient to determine the role of this variant in disease. Therefore, it has been classified as a Variant of Uncertain Significance. This variant has not been reported in the literature in individuals affected with NPR3-related conditions. This variant is present in population databases (rs752059527, gnomAD 0.003%). This sequence change affects a donor splice site in intron 3 of the NPR3 gene. It is expected to disrupt RNA splicing. Variants that disrupt the donor or acceptor splice site typically lead to a loss of protein function (PMID: 16199547), however the current clinical and genetic evidence is not sufficient to establish whether loss-of-function variants in NPR3 cause disease.

Literature cited by the submitters: PubMed 16199547 (cited by Labcorp Genetics (formerly Invitae), Labcorp).